The following is an entry in ClinVar:

ClinVar aggregate classification (germline): Uncertain significance (1 of 4 stars; one submission).

Conditions:
Early-infantile DEE. Also called: Early infantile epileptic encephalopathy; Early infantile epileptic encephalopathy with suppression bursts; Ohtahara syndrome. Identifiers: Orphanet 1934, MedGen C0393706, MONDO:0800491.

Allele frequency attached by ClinVar (database versions not stated): ExAC 0.00001.
gnomAD v4.1: 5 of 1,613,546 alleles (0.00031%); highest among the groups gnomAD compares: Non-Finnish European, 0.00025%; no homozygotes.

Submission:

Labcorp Genetics (formerly Invitae), Labcorp
Classification: Uncertain significance for Early-infantile DEE. Last evaluated: 2025-02-24. Review status: criteria provided, single submitter. Criteria: Invitae Variant Classification Sherloc (09022015). Collection method: clinical testing. Allele origin: germline.
Comment: This sequence change replaces arginine, which is basic and polar, with glutamine, which is neutral and polar, at codon 160 of the KCNH5 protein (p.Arg160Gln). This variant is present in population databases (rs148002630, gnomAD 0.004%). This variant has not been reported in the literature in individuals affected with KCNH5-related conditions. ClinVar contains an entry for this variant (Variation ID: 1980142). Invitae Evidence Modeling of protein sequence and biophysical properties (such as structural, functional, and spatial information, amino acid conservation, physicochemical variation, residue mobility, and thermodynamic stability) indicates that this missense variant is not expected to disrupt KCNH5 protein function with a negative predictive value of 80%. In summary, the available evidence is currently insufficient to determine the role of this variant in disease. Therefore, it has been classified as a Variant of Uncertain Significance.

NM_139318.5(KCNH5):c.479G>A (p.Arg160Gln)

Gene: KCNH5 (potassium voltage-gated channel subfamily H member 5; minus strand). Cytogenetic location: 14q23.2.
Variant type: single nucleotide variant.
Coding change: c.479G>A on transcript NM_139318.5 (MANE Select); coding-DNA position 479, G replaced by A.
Protein change: p.Arg160Gln; replaces arginine 160 with glutamine.
Molecular consequence: missense variant.
Genome position (GRCh38, 1-based): chr14:62,987,142, C>T on the plus strand (G>A on the coding strand, the complement: KCNH5 is on the minus strand). VCF-style: chr14-62987142-C-T. GRCh37 (hg19) VCF-style: chr14-63453860-C-T.
Other names: c.479G>A, p.Arg160Gln (NM_172375.3); short protein forms R160Q.
Identifiers: ClinVar variation 1980142 (VCV001980142.4), dbSNP rs148002630, ClinGen allele CA7217656.
Genomic context (GRCh38, chr14:62,987,142, plus strand): 5'-CTTGAATGTTTATGGACCACCTCTGTTTTATTCATTGGCGTGAGCTGCTGCAAAACACTT[C>T]GGCTATTTGTCAAAGCCCGTGTCAATCGGGCAAATTTCGTCCAACCTTAAAAATAAGGAA-3'
Protein context (NP_647479.2, residues 150-170): ARLTRALTNS[Arg160Gln]SVLQQLTPMN